The following is an entry in ClinVar:

ClinVar aggregate classification (germline): Uncertain significance. Review status: criteria provided, multiple submitters, no conflicts (2 of 4 stars). 3 submissions from 3 submitters: Uncertain significance (3). Last evaluated 2025-12-16.

Conditions:
Primary ciliary dyskinesia. Also called: Ciliary dyskinesia. Identifiers: Orphanet 244, MedGen C0008780, MONDO:0016575, HP:0012265.
Primary ciliary dyskinesia 9. Also called: CILIARY DYSKINESIA, PRIMARY, 9, WITH OR WITHOUT SITUS INVERSUS. Identifiers: Orphanet 244, MedGen C2676235, MONDO:0012906, OMIM 612444.

Allele frequency attached by ClinVar (database versions not stated): gnomAD 0.00004 and 0.00005; TOPMed 0.00007; ESP Exome Variant Server 0.00008.
gnomAD v4.1: 58 of 1,614,016 alleles (0.0036%); highest among the groups gnomAD compares: Admixed American, 0.005%; no homozygotes.

Submissions (3):

Ambry Genetics
Classification: Uncertain significance for Primary ciliary dyskinesia. Last evaluated: 2025-12-16. Review status: criteria provided, single submitter. Criteria: Ambry Variant Classification Scheme 2023. Collection method: clinical testing. Allele origin: germline.
Comment: The p.R389C variant (also known as c.1165C>T), located in coding exon 8 of the DNAI2 gene, results from a C to T substitution at nucleotide position 1165. The arginine at codon 389 is replaced by cysteine, an amino acid with highly dissimilar properties. This amino acid position is conserved. In addition, this alteration is predicted to be deleterious by in silico analysis. Based on the available evidence, the clinical significance of this variant remains unclear.

Labcorp Genetics (formerly Invitae), Labcorp
Classification: Uncertain significance for Primary ciliary dyskinesia. Last evaluated: 2022-08-31. Review status: criteria provided, single submitter. Criteria: Invitae Variant Classification Sherloc (09022015). Collection method: clinical testing. Allele origin: germline.
Comment: This sequence change replaces arginine, which is basic and polar, with cysteine, which is neutral and slightly polar, at codon 389 of the DNAI2 protein (p.Arg389Cys). This variant is present in population databases (rs375896715, gnomAD 0.03%). This variant has not been reported in the literature in individuals affected with DNAI2-related conditions. ClinVar contains an entry for this variant (Variation ID: 325017). Algorithms developed to predict the effect of missense changes on protein structure and function are either unavailable or do not agree on the potential impact of this missense change (SIFT: "Deleterious"; PolyPhen-2: "Probably Damaging"; Align-GVGD: "Class C0"). In summary, the available evidence is currently insufficient to determine the role of this variant in disease. Therefore, it has been classified as a Variant of Uncertain Significance.

Illumina Laboratory Services, Illumina
Classification: Uncertain significance for Primary ciliary dyskinesia 9. Last evaluated: 2018-01-13. Review status: criteria provided, single submitter. Criteria: ICSL Variant Classification Criteria 13 December 2019. Collection method: clinical testing. Allele origin: germline.

NM_023036.6(DNAI2):c.1165C>T (p.Arg389Cys)

Gene: DNAI2 (dynein axonemal intermediate chain 2; plus strand). Cytogenetic location: 17q25.1.
Variant type: single nucleotide variant.
Coding change: c.1165C>T on transcript NM_023036.6 (MANE Select); coding-DNA position 1165, C replaced by T.
Protein change: p.Arg389Cys; replaces arginine 389 with cysteine.
Molecular consequence: missense variant. On other transcripts: non-coding transcript variant (1).
Genome position (GRCh38, 1-based): chr17:74,305,396, C>T. VCF-style: chr17-74305396-C-T. GRCh37 (hg19) VCF-style: chr17-72301535-C-T.
Other names: c.1165C>T, p.Arg389Cys (NM_001172810.3, NM_001353167.2); short protein forms R389C.
Identifiers: ClinVar variation 325017 (VCV000325017.11), dbSNP rs375896715, ClinGen allele CA8745623.